The following is an entry in ClinVar:

NM_014683.4(ULK2):c.2028A>G (p.Gln676=)

Gene: ULK2 (unc-51 like autophagy activating kinase 2; minus strand). Cytogenetic location: 17p11.2.
Variant type: single nucleotide variant.
Coding change: c.2028A>G on transcript NM_014683.4 (MANE Select); coding-DNA position 2028, A replaced by G.
Protein change: p.Gln676=; no amino-acid change (glutamine 676 retained).
Molecular consequence: synonymous variant.
Genome position (GRCh38, 1-based): chr17:19,795,695, T>C on the plus strand (A>G on the coding strand, the complement: ULK2 is on the minus strand). VCF-style: chr17-19795695-T-C. GRCh37 (hg19) VCF-style: chr17-19699008-T-C.
Other names: c.2028A>G, p.Gln676= (NM_001142610.2).
Identifiers: ClinVar variation 2647565 (VCV002647565.24), dbSNP rs1443611505, ClinGen allele CA498645950.

ClinVar aggregate classification (germline): Likely benign (1 of 4 stars; one submission).

Allele frequency attached by ClinVar (database versions not stated): gnomAD 0.00001; gnomAD exomes 0.00001; TOPMed 0.00002.
gnomAD v4.1: 13 of 1,614,016 alleles (0.00081%); highest among the groups gnomAD compares: Admixed American, 0.005%; no homozygotes.

Submission:

CeGaT Center for Human Genetics Tuebingen
Classification: Likely benign. Last evaluated: 2023-01-01. Review status: criteria provided, single submitter. Criteria: CeGaT Center For Human Genetics Tuebingen Variant Classification Criteria Version 2. Collection method: clinical testing. Allele origin: germline. Affected: yes. Observed: 1 variant allele.
Comment: ULK2: BP4, BP7